The following is an entry in ClinVar:

NM_053025.4(MYLK):c.1396G>A (p.Asp466Asn)

Gene: MYLK (myosin light chain kinase; minus strand). Cytogenetic location: 3q21.1.
Variant type: single nucleotide variant.
Coding change: c.1396G>A on transcript NM_053025.4 (MANE Select); coding-DNA position 1396, G replaced by A.
Protein change: p.Asp466Asn; replaces aspartic acid 466 with asparagine.
Molecular consequence: missense variant. On other transcripts: intron variant (2).
Genome position (GRCh38, 1-based): chr3:123,733,016, C>T on the plus strand (G>A on the coding strand, the complement: MYLK is on the minus strand). VCF-style: chr3-123733016-C-T. GRCh37 (hg19) VCF-style: chr3-123451863-C-T.
Other names: c.868G>A, p.Asp290Asn (NM_001321309.2); c.1396G>A, p.Asp466Asn (NM_053027.4); c.1309+671G>A (NM_053028.4, NM_053026.4); short protein forms D466N, D290N.
Identifiers: ClinVar variation 409682 (VCV000409682.8), dbSNP rs1060502529, ClinGen allele CA16611149.

ClinVar aggregate classification (germline): Uncertain significance (1 of 4 stars; one submission).

Conditions:
Aortic aneurysm, familial thoracic 7 (AAT7). Also called: AORTIC DISSECTION, FAMILIAL, WITH OR WITHOUT AORTIC ANEURYSM. Identifiers: MedGen C3151077, MONDO:0013418, OMIM 613780.

Allele frequency attached by ClinVar (database versions not stated): gnomAD exomes below 0.00001; gnomAD 0.00001.
gnomAD v4.1: 3 of 1,614,070 alleles (0.00019%); highest among the groups gnomAD compares: East Asian, 0.0067%; no homozygotes.

Submission:

Labcorp Genetics (formerly Invitae), Labcorp
Classification: Uncertain significance for Aortic aneurysm, familial thoracic 7. Last evaluated: 2016-07-15. Review status: criteria provided, single submitter. Criteria: Invitae Variant Classification Sherloc (09022015). Collection method: clinical testing. Allele origin: germline.
Comment: In summary, this variant is a novel missense change with uncertain impact on protein function. It has been classified as a Variant of Uncertain Significance. Algorithms developed to predict the effect of missense changes on protein structure and function do not agree on the potential impact of this missense change (SIFT: "Deleterious"; PolyPhen-2: "Probably Damaging"; Align-GVGD: "Class C0"). This variant is not present in population databases (ExAC no frequency) and has not been reported in the literature in individuals with a MYLK-related disease. This sequence change replaces aspartic acid with asparagine at codon 466 of the MYLK protein (p.Asp466Asn). The aspartic acid residue is highly conserved and there is a small physicochemical difference between aspartic acid and asparagine.